The following is an entry in ClinVar:

NM_005559.4(LAMA1):c.1197T>G (p.Cys399Trp)

Gene: LAMA1 (laminin subunit alpha 1; minus strand). Cytogenetic location: 18p11.31.
Variant type: single nucleotide variant.
Coding change: c.1197T>G on transcript NM_005559.4 (MANE Select); coding-DNA position 1197, T replaced by G.
Protein change: p.Cys399Trp; replaces cysteine 399 with tryptophan.
Molecular consequence: missense variant.
Genome position (GRCh38, 1-based): chr18:7,042,209, A>C on the plus strand (T>G on the coding strand, the complement: LAMA1 is on the minus strand). VCF-style: chr18-7042209-A-C. GRCh37 (hg19) VCF-style: chr18-7042208-A-C.
Other names: short protein forms C399W.
Identifiers: ClinVar variation 1328702 (VCV001328702.6), dbSNP rs1568043232, ClinGen allele CA401836441.

ClinVar aggregate classification (germline): Uncertain significance. Review status: criteria provided, multiple submitters, no conflicts (2 of 4 stars). 3 submissions from 3 submitters: Uncertain significance (3). Last evaluated 2024-01-09.

Conditions:
Inborn genetic diseases. Identifiers: MedGen C0950123, MeSH D030342.

Allele frequency attached by ClinVar (database versions not stated): gnomAD 0.00001; gnomAD exomes below 0.00001; TOPMed below 0.00001.
gnomAD v4.1: 2 of 1,612,592 alleles (0.00012%); highest among the groups gnomAD compares: Admixed American, 0.0033%; no homozygotes.

Submissions (3):

Labcorp Genetics (formerly Invitae), Labcorp
Classification: Uncertain significance. Last evaluated: 2024-01-09. Review status: criteria provided, single submitter. Criteria: Invitae Variant Classification Sherloc (09022015). Collection method: clinical testing. Allele origin: germline.
Comment: This sequence change replaces cysteine, which is neutral and slightly polar, with tryptophan, which is neutral and slightly polar, at codon 399 of the LAMA1 protein (p.Cys399Trp). This variant is not present in population databases (gnomAD no frequency). This variant has not been reported in the literature in individuals affected with LAMA1-related conditions. ClinVar contains an entry for this variant (Variation ID: 1328702). An algorithm developed to predict the effect of missense changes on protein structure and function (PolyPhen-2) suggests that this variant is likely to be disruptive. In summary, the available evidence is currently insufficient to determine the role of this variant in disease. Therefore, it has been classified as a Variant of Uncertain Significance.

Ambry Genetics
Classification: Uncertain significance for Inborn genetic diseases. Last evaluated: 2023-03-01. Review status: criteria provided, single submitter. Criteria: Ambry Variant Classification Scheme 2023. Collection method: clinical testing. Allele origin: germline.

GeneDx
Classification: Uncertain significance. Last evaluated: 2021-06-14. Review status: criteria provided, single submitter. Criteria: GeneDx Variant Classification Process June 2021. Collection method: clinical testing. Allele origin: germline. Affected: yes.
Comment: Not observed at significant frequency in large population cohorts (Lek et al., 2016); In silico analysis supports that this missense variant has a deleterious effect on protein structure/function; Has not been previously published as pathogenic or benign to our knowledge; This variant is associated with the following publications: (PMID: 27535533)